The following is an entry in ClinVar:

ClinVar aggregate classification (germline): Uncertain significance (1 of 4 stars; one submission).

Allele frequency attached by ClinVar (database versions not stated): TOPMed below 0.00001.

Submission:

Labcorp Genetics (formerly Invitae), Labcorp
Classification: Uncertain significance. Last evaluated: 2022-05-11. Review status: criteria provided, single submitter. Criteria: Invitae Variant Classification Sherloc (09022015). Collection method: clinical testing. Allele origin: germline.
Comment: This sequence change replaces alanine, which is neutral and non-polar, with glycine, which is neutral and non-polar, at codon 522 of the MPDZ protein (p.Ala522Gly). This variant is not present in population databases (gnomAD no frequency). This variant has not been reported in the literature in individuals affected with MPDZ-related conditions. Algorithms developed to predict the effect of missense changes on protein structure and function (SIFT, PolyPhen-2, Align-GVGD) all suggest that this variant is likely to be tolerated. In summary, the available evidence is currently insufficient to determine the role of this variant in disease. Therefore, it has been classified as a Variant of Uncertain Significance.

NM_001378778.1(MPDZ):c.1565C>G (p.Ala522Gly)

Gene: MPDZ (multiple PDZ domain crumbs cell polarity complex component; minus strand). Cytogenetic location: 9p23.
Variant type: single nucleotide variant.
Coding change: c.1565C>G on transcript NM_001378778.1 (MANE Select); coding-DNA position 1565, C replaced by G.
Protein change: p.Ala522Gly; replaces alanine 522 with glycine.
Molecular consequence: missense variant.
Genome position (GRCh38, 1-based): chr9:13,196,212, G>C on the plus strand (C>G on the coding strand, the complement: MPDZ is on the minus strand). VCF-style: chr9-13196212-G-C. GRCh37 (hg19) VCF-style: chr9-13196211-G-C.
Other names: c.1565C>G, p.Ala522Gly (NM_001375426.1, NM_001375427.1, NM_003829.5 and 14 more transcripts); short protein forms A522G.
Identifiers: ClinVar variation 1993172 (VCV001993172.4), dbSNP rs1186576720, ClinGen allele CA372941147.
Genomic context (GRCh38, chr9:13,196,212, plus strand): 5'-TGCCATTTTGTCAGCAGAGCAGCTTCTTGTTTTTGTGCATCTTCTATTTCTTCTATCTCA[G>C]CTGACAGTAATGGATACCCTGAAACAGTCAAGGCAATTAAGTTAGCAGCAAACTACAGAA-3'
Protein context (NP_001365707.1, residues 512-532): TEEEGYPLLS[Ala522Gly]EIEEIEDAQK